The following is an entry in ClinVar:

NM_006939.4(SOS2):c.2384+5A>G

Gene: SOS2 (SOS Ras/Rho guanine nucleotide exchange factor 2; minus strand). Cytogenetic location: 14q21.3.
Variant type: single nucleotide variant.
Coding change: c.2384+5A>G on transcript NM_006939.4 (MANE Select); 5 bases into the intron after coding-DNA position 2384, A replaced by G.
Molecular consequence: intron variant.
Genome position (GRCh38, 1-based): chr14:50,150,003, T>C on the plus strand (A>G on the coding strand, the complement: SOS2 is on the minus strand). VCF-style: chr14-50150003-T-C. GRCh37 (hg19) VCF-style: chr14-50616721-T-C.
Other names: c.2384+5A>G (NM_006939.3).
Identifiers: ClinVar variation 475745 (VCV000475745.11), dbSNP rs376903120, ClinGen allele CA7177056.

ClinVar aggregate classification (germline): Uncertain significance. Review status: criteria provided, multiple submitters, no conflicts (2 of 4 stars). 3 submissions from 3 submitters: Uncertain significance (2). 1 of the submissions does not count toward it. Last evaluated 2026-01-21.

Conditions:
Noonan syndrome 9 (NS9). Identifiers: Orphanet 648, MedGen C4225282, MONDO:0014691, OMIM 616559.
SOS2-related disorder. Also called: SOS2-related condition.

Allele frequency attached by ClinVar (database versions not stated): gnomAD exomes below 0.00001; ExAC 0.00002; gnomAD 0.00002; TOPMed 0.00004; ESP Exome Variant Server 0.00015.
gnomAD v4.1: 6 of 1,551,534 alleles (0.00039%); highest among the groups gnomAD compares: African/African-American, 0.0081%; no homozygotes.

Submissions (3):

Labcorp Genetics (formerly Invitae), Labcorp
Classification: Uncertain significance for Noonan syndrome 9. Last evaluated: 2026-01-21. Review status: criteria provided, single submitter. Criteria: Invitae Variant Classification Sherloc (09022015). Collection method: clinical testing. Allele origin: germline.
Comment: This sequence change falls in intron 14 of the SOS2 gene. It does not directly change the encoded amino acid sequence of the SOS2 protein. It affects a nucleotide within the consensus splice site. This variant is present in population databases (rs376903120, gnomAD 0.01%). This variant has not been reported in the literature in individuals affected with SOS2-related conditions. ClinVar contains an entry for this variant (Variation ID: 475745). Variants that disrupt the consensus splice site are a relatively common cause of aberrant splicing (PMID: 17576681, 9536098). Algorithms developed to predict the effect of sequence changes on RNA splicing suggest that this variant is not likely to affect RNA splicing. In summary, the available evidence is currently insufficient to determine the role of this variant in disease. Therefore, it has been classified as a Variant of Uncertain Significance.

Fulgent Genetics
Classification: Uncertain significance for Noonan syndrome 9. Last evaluated: 2021-11-22. Review status: criteria provided, single submitter. Criteria: ACMG Guidelines, 2015. Collection method: clinical testing. Allele origin: unknown.

PreventionGenetics, part of Exact Sciences
Classification: Likely benign for SOS2-related condition. Last evaluated: 2024-02-01. Review status: no assertion criteria provided. Collection method: clinical testing. Allele origin: germline. Not counted in ClinVar's aggregate classification.
Comment: This variant is classified as likely benign based on ACMG/AMP sequence variant interpretation guidelines (Richards et al. 2015 PMID: 25741868, with internal and published modifications).

Literature cited by the submitters: PubMed 17576681 (cited by Labcorp Genetics (formerly Invitae), Labcorp); PubMed 9536098 (cited by Labcorp Genetics (formerly Invitae), Labcorp).